The following is an entry in ClinVar:

NM_001378964.1(CDON):c.2179C>T (p.Pro727Ser)

Gene: CDON (cell adhesion associated, oncogene regulated; minus strand). Cytogenetic location: 11q24.2.
Variant type: single nucleotide variant.
Coding change: c.2179C>T on transcript NM_001378964.1 (MANE Select); coding-DNA position 2179, C replaced by T.
Protein change: p.Pro727Ser; replaces proline 727 with serine.
Molecular consequence: missense variant.
Genome position (GRCh38, 1-based): chr11:125,997,390, G>A on the plus strand (C>T on the coding strand, the complement: CDON is on the minus strand). VCF-style: chr11-125997390-G-A. GRCh37 (hg19) VCF-style: chr11-125867285-G-A.
Other names: c.2179C>T, p.Pro727Ser (NM_001243597.3, NM_001441161.1, NM_001441162.1 and 5 more transcripts); short protein forms P727S.
Identifiers: ClinVar variation 4688071 (VCV004688071.1).

ClinVar aggregate classification (germline): Likely benign (1 of 4 stars; one submission).

Conditions:
Holoprosencephaly 11 (HPE11). Identifiers: Orphanet 2162, MedGen C3280215, MONDO:0013642, OMIM 614226.

Submission:

Centre for Medical Genetics,  Mumbai
Classification: Likely benign for Holoprosencephaly 11. Last evaluated: 2026-02-02. Review status: criteria provided, single submitter. Criteria: ACMG Guidelines, 2015. Collection method: provider interpretation. Allele origin: germline. Inheritance: Autosomal dominant inheritance. Affected: no. Observed: 1 heterozygote.
Comment: The variant satisfies PM2 criteria; Extremely low frequency in gnomAD population databases. However, the variant satisfies BS2 criteria.

Literature cited by the submitters: PubMed 21802063.